The following is an entry in ClinVar:

ClinVar aggregate classification (germline): Uncertain significance (1 of 4 stars; one submission).

Allele frequency attached by ClinVar (database versions not stated): gnomAD exomes below 0.00001.
gnomAD v4.1: 7 of 1,612,944 alleles (0.00043%); highest among the groups gnomAD compares: South Asian, 0.0066%; no homozygotes.

Submission:

Labcorp Genetics (formerly Invitae), Labcorp
Classification: Uncertain significance. Last evaluated: 2023-06-10. Review status: criteria provided, single submitter. Criteria: Invitae Variant Classification Sherloc (09022015). Collection method: clinical testing. Allele origin: germline.
Comment: This variant is present in population databases (no rsID available, gnomAD 0.007%). This variant has not been reported in the literature in individuals affected with COL11A2-related conditions. Variants that disrupt the consensus splice site are a relatively common cause of aberrant splicing (PMID: 17576681, 9536098). Algorithms developed to predict the effect of sequence changes on RNA splicing suggest that this variant may disrupt the consensus splice site. In summary, the available evidence is currently insufficient to determine the role of this variant in disease. Therefore, it has been classified as a Variant of Uncertain Significance. This sequence change affects an acceptor splice site in intron 65 of the COL11A2 gene. While this variant is not anticipated to result in nonsense mediated decay, it likely alters RNA splicing and results in a disrupted protein product.

Literature cited by the submitters: PubMed 17576681; PubMed 9536098.

NM_080680.3(COL11A2):c.5071-1G>A

Gene: COL11A2 (collagen type XI alpha 2 chain; minus strand). Cytogenetic location: 6p21.32.
Variant type: single nucleotide variant.
Coding change: c.5071-1G>A on transcript NM_080680.3 (MANE Select); the canonical splice acceptor site of the intron before coding-DNA position 5071, G replaced by A.
Molecular consequence: splice acceptor variant.
Genome position (GRCh38, 1-based): chr6:33,163,819, C>T on the plus strand (G>A on the coding strand, the complement: COL11A2 is on the minus strand). VCF-style: chr6-33163819-C-T. GRCh37 (hg19) VCF-style: chr6-33131596-C-T.
Other names: c.4045-1G>A (NM_001424111.1, NM_001424110.1); c.4750-1G>A (NM_080679.3); c.4813-1G>A (NM_080681.3); c.4891-1G>A (NM_001424108.1); c.4225-1G>A (NM_001424109.1); c.3025-1G>A (NM_001424112.1).
Identifiers: ClinVar variation 2894491 (VCV002894491.3), dbSNP rs1186107859, ClinGen allele CA363615744.